The following is an entry in ClinVar:

NM_144999.4(LRRC45):c.1893C>T (p.Leu631=)

Gene: LRRC45 (leucine rich repeat containing 45; plus strand). Cytogenetic location: 17q25.3.
Variant type: single nucleotide variant.
Coding change: c.1893C>T on transcript NM_144999.4 (MANE Select); coding-DNA position 1893, C replaced by T.
Protein change: p.Leu631=; no amino-acid change (leucine 631 retained).
Molecular consequence: synonymous variant.
Genome position (GRCh38, 1-based): chr17:82,030,685, C>T. VCF-style: chr17-82030685-C-T. GRCh37 (hg19) VCF-style: chr17-79988561-C-T.
Identifiers: ClinVar variation 3346338 (VCV003346338.1).

ClinVar aggregate classification (germline): Likely benign (0 of 4 stars; one submission).

Conditions:
LRRC45-related disorder. Also called: LRRC45-related condition.

Submission:

PreventionGenetics, part of Exact Sciences
Classification: Likely benign for LRRC45-related condition. Last evaluated: 2024-08-29. Review status: no assertion criteria provided. Collection method: clinical testing. Allele origin: germline.
Comment: This variant is classified as likely benign based on ACMG/AMP sequence variant interpretation guidelines (Richards et al. 2015 PMID: 25741868, with internal and published modifications).